The following is an entry in ClinVar:

ClinVar aggregate classification (germline): Benign (1 of 4 stars; one submission).

Conditions:
Mendelian susceptibility to mycobacterial diseases due to complete IL12B deficiency. Also called: IL12B DEFICIENCY; Immunodeficiency 29. Identifiers: Orphanet 319558, MedGen C4013948, MONDO:0013954, OMIM 614890.

Allele frequency attached by ClinVar (database versions not stated): gnomAD 0.01232 and 0.01304; TOPMed 0.01362; 1000 Genomes Project 0.02117; 1000 Genomes Project 30x 0.02264.

Submission:

Illumina Laboratory Services, Illumina
Classification: Benign for Mendelian susceptibility to mycobacterial diseases due to complete IL12B deficiency. Last evaluated: 2018-01-13. Review status: criteria provided, single submitter. Criteria: ICSL Variant Classification Criteria 13 December 2019. Collection method: clinical testing. Allele origin: germline.
Comment: This variant was observed in the ICSL laboratory as part of a predisposition screen in an ostensibly healthy population. It had not been previously curated by ICSL or reported in the Human Gene Mutation Database (HGMD: prior to June 1st, 2018), and was therefore a candidate for classification through an automated scoring system. Utilizing variant allele frequency, disease prevalence and penetrance estimates, and inheritance mode, an automated score was calculated to assess if this variant is too frequent to cause the disease. Based on the score and internal cut-off values, a variant classified as benign is not then subjected to further curation. The score for this variant resulted in a classification of benign for this disease.

NM_002187.3(IL12B):c.*883C>A

Gene: IL12B (interleukin 12B; minus strand). Cytogenetic location: 5q33.3.
Variant type: single nucleotide variant.
Coding change: c.*883C>A on transcript NM_002187.3 (MANE Select); 883 bases downstream of the stop codon, C replaced by A.
Molecular consequence: 3 prime UTR variant.
Genome position (GRCh38, 1-based): chr5:159,315,218, G>T on the plus strand (C>A on the coding strand, the complement: IL12B is on the minus strand). VCF-style: chr5-159315218-G-T. GRCh37 (hg19) VCF-style: chr5-158742226-G-T.
Identifiers: ClinVar variation 352560 (VCV000352560.5), dbSNP rs56409614, ClinGen allele CA10624003.